The following is an entry in ClinVar:

ClinVar aggregate classification (germline): Uncertain significance (1 of 4 stars; one submission).

Conditions:
CFH-related disorder. Also called: CFH-related condition; CFH-related disorders.

Submission:

PreventionGenetics, part of Exact Sciences
Classification: Uncertain significance for CFH-related condition. Last evaluated: 2026-07-23. Review status: criteria provided, single submitter. Criteria: ACMG Guidelines, 2015. Collection method: clinical testing. Allele origin: germline.
Comment: The CFH c.1708G>C variant is predicted to result in the amino acid substitution p.Glu570Gln. To our knowledge, this variant has not been reported in the literature or in a large population database (gnomAD), indicating this variant is rare. At this time, the clinical significance of this variant is uncertain due to the absence of conclusive functional and genetic evidence.

NM_000186.4(CFH):c.1708G>C (p.Glu570Gln)

Gene: CFH (complement factor H; plus strand). Cytogenetic location: 1q31.3.
Variant type: single nucleotide variant.
Coding change: c.1708G>C on transcript NM_000186.4 (MANE Select); coding-DNA position 1708, G replaced by C.
Protein change: p.Glu570Gln; replaces glutamic acid 570 with glutamine.
Molecular consequence: missense variant.
Genome position (GRCh38, 1-based): chr1:196,725,132, G>C. VCF-style: chr1-196725132-G-C. GRCh37 (hg19) VCF-style: chr1-196694262-G-C.
Other names: short protein forms E570Q.
Identifiers: ClinVar variation 4995925 (VCV004995925.1).